The following is an entry in ClinVar:

NM_001267550.2(TTN):c.29144C>T (p.Ala9715Val)

Gene: TTN (titin; minus strand). Cytogenetic location: 2q31.2.
Variant type: single nucleotide variant.
Coding change: c.29144C>T on transcript NM_001267550.2 (MANE Select); coding-DNA position 29144, C replaced by T.
Protein change: p.Ala9715Val; replaces alanine 9715 with valine.
Molecular consequence: missense variant. On other transcripts: intron variant (3).
Genome position (GRCh38, 1-based): chr2:178,706,730, G>A on the plus strand (C>T on the coding strand, the complement: TTN is on the minus strand). VCF-style: chr2-178706730-G-A. GRCh37 (hg19) VCF-style: chr2-179571457-G-A.
Other names: c.28193C>T, p.Ala9398Val (NM_001256850.1); c.25412C>T, p.Ala8471Val (NM_133378.4); c.13282+31352C>T (NM_003319.4); c.13858+31352C>T (NM_133437.4); c.13657+31352C>T (NM_133432.3); short protein forms A9715V, A8471V, A9398V.
Identifiers: ClinVar variation 290555 (VCV000290555.11), dbSNP rs533172128, ClinGen allele CA1999435.

ClinVar aggregate classification (germline): Conflicting classifications of pathogenicity. Review status: criteria provided, conflicting classifications (1 of 4 stars). 4 submissions from 4 submitters: Uncertain significance (3); Likely benign (1). Last evaluated 2026-01-30.

Conditions:
TTN-related disorder. Also called: TTN-related condition; TTN-related disease; TTN-related disorders.

Allele frequency attached by ClinVar (database versions not stated): TOPMed 0.00002.
gnomAD v4.1: 15 of 1,607,972 alleles (0.00093%); highest among the groups gnomAD compares: Admixed American, 0.01%; no homozygotes.

Submissions (4):

PreventionGenetics, part of Exact Sciences
Classification: Uncertain significance for TTN-related condition. Last evaluated: 2026-01-30. Review status: criteria provided, single submitter. Criteria: ACMG Guidelines, 2015. Collection method: clinical testing. Allele origin: germline.
Comment: The TTN c.29144C>T variant is predicted to result in the amino acid substitution p.Ala9715Val. To our knowledge, this variant has not been reported in the literature. This variant is reported in 0.012% of alleles in individuals of Latino descent in gnomAD. At this time, the clinical significance of this variant is uncertain due to the absence of conclusive functional and genetic evidence.

Revvity Omics, Revvity
Classification: Uncertain significance. Last evaluated: 2023-02-06. Review status: criteria provided, single submitter. Criteria: ACMG Guidelines, 2015. Collection method: clinical testing. Allele origin: germline.

GeneDx
Classification: Likely benign. Last evaluated: 2020-02-19. Review status: criteria provided, single submitter. Criteria: GeneDx Variant Classification Process June 2021. Collection method: clinical testing. Allele origin: germline. Affected: yes.

Eurofins Ntd Llc (ga)
Classification: Uncertain significance. Last evaluated: 2017-11-18. Review status: criteria provided, single submitter. Criteria: EGL Classification Definitions 2015. Collection method: clinical testing. Allele origin: germline. Observed: 2 variant alleles, 2 heterozygotes.